The following is an entry in ClinVar:

NM_000092.5(COL4A4):c.2198G>T (p.Gly733Val)

Gene: COL4A4 (collagen type IV alpha 4 chain; minus strand). Cytogenetic location: 2q36.3.
Variant type: single nucleotide variant.
Coding change: c.2198G>T on transcript NM_000092.5 (MANE Select); coding-DNA position 2198, G replaced by T.
Protein change: p.Gly733Val; replaces glycine 733 with valine.
Molecular consequence: missense variant.
Genome position (GRCh38, 1-based): chr2:227,059,590, C>A on the plus strand (G>T on the coding strand, the complement: COL4A4 is on the minus strand). VCF-style: chr2-227059590-C-A. GRCh37 (hg19) VCF-style: chr2-227924306-C-A.
Other names: short protein forms G733V.
Identifiers: ClinVar variation 3233961 (VCV003233961.2), dbSNP rs1976366314, ClinGen allele CA350842172.

ClinVar aggregate classification (germline): Uncertain significance (1 of 4 stars; one submission).

Allele frequency attached by ClinVar (database versions not stated): gnomAD exomes 0.00004.

Submission:

Women's Health and Genetics/Laboratory Corporation of America, LabCorp
Classification: Uncertain significance. Last evaluated: 2024-03-14. Review status: criteria provided, single submitter. Criteria: LabCorp Variant Classification Summary - May 2015. Collection method: clinical testing. Allele origin: germline.
Comment: Variant summary: COL4A4 c.2198G>T (p.Gly733Val) results in a non-conservative amino acid change in the encoded protein sequence. Four of five in-silico tools predict a benign effect of the variant on protein function. The variant was absent in 249028 control chromosomes. The available data on variant occurrences in the general population are insufficient to allow any conclusion about variant significance. To our knowledge, no occurrence of c.2198G>T in individuals affected with Alport Syndrome, Autosomal Recessive and no experimental evidence demonstrating its impact on protein function have been reported. No submitters have cited clinical-significance assessments for this variant to ClinVar. Based on the evidence outlined above, the variant was classified as uncertain significance.